The following is an entry in ClinVar:

NC_000003.11:g.(?_10068070)_(10070406_10074515)del

Gene: FANCD2 (FA complementation group D2; plus strand). Cytogenetic location: 3p25.3.
Variant type: Deletion.
Identifiers: ClinVar variation 1722465 (VCV001722465.1).

ClinVar aggregate classification (germline): Likely pathogenic (1 of 4 stars; one submission).

Conditions:
Fanconi anemia (FA). Also called: Fanconi's anemia. Identifiers: Orphanet 84, MedGen C0015625, MeSH D005199, MONDO:0019391.

Submission:

Women's Health and Genetics/Laboratory Corporation of America, LabCorp
Classification: Likely pathogenic for Fanconi anemia. Last evaluated: 2022-09-08. Review status: criteria provided, single submitter. Criteria: LabCorp Variant Classification Summary - May 2015. Collection method: clinical testing. Allele origin: germline.
Comment: Variant summary: The variant identified by MLPA or other technology involves the deletion of exons 1-2 in the FANCD2 gene. The exact breakpoint at the 5' end of this variant is unknown and therefore this deletion may extend upstream of the assayed region of the FANCD2 gene. A presumed nomenclature of c.(?_-121)_(64+1_65-1)del has been designated for the purposes of this classification. Although exact breakpoints of this deletion are not known, it is expected to result in a start loss in the FANCD2 gene, a known mechanism of disease. In addition, multiple LOF variants have been reported between p.Met1 and the next Met codon (p.Met127) (e.g. p.Glu14fs, p.Lys31fs, p.Lys33fs) in ClinVar database, suggesting p.Met127 is unlikely to be utilized as an alternative start codon. Deletion of the genomic region encompassing this allele was found at a frequency of 9.9e-05 in 20280 control chromosomes (gnomAD Structural Variants dataset). To our knowledge, no occurrence of c.(?_-121)_(64+1_65-1)del in individuals affected with Fanconi Anemia and no experimental evidence demonstrating its impact on protein function have been reported. No clinical diagnostic laboratories have submitted clinical-significance assessments for this variant to ClinVar after 2014. Based on the evidence outlined above, the variant was classified as likely pathogenic.